The following is an entry in ClinVar:

NM_139076.3(ABRAXAS1):c.932_937del (p.Cys311_Asn312del)

Gene: ABRAXAS1 (abraxas 1, BRCA1 A complex subunit; minus strand). Cytogenetic location: 4q21.23.
Variant type: Deletion.
Coding change: c.932_937del on transcript NM_139076.3 (MANE Select); coding-DNA positions 932 to 937, 6 bases deleted (GTAACT; older notation c.932_937delGTAACT).
Protein change: p.Cys311_Asn312del.
Molecular consequence: inframe deletion.
Genome position (GRCh38, 1-based): chr4:83,462,762-83,462,767, AGTTAC deleted on the plus strand (GTAACT on the coding strand, the reverse complement: ABRAXAS1 is on the minus strand); deleting any 6 consecutive bases within chr4:83,462,762-83,462,769 gives the same sequence; the c. name uses the placement nearest the transcript's 3' end. VCF-style (leftmost placement, unchanged base first): chr4-83462761-TAGTTAC-T. GRCh37 (hg19) VCF-style: chr4-84383914-TAGTTAC-T.
Other names: c.605_610del, p.Cys202_Asn203del (NM_001345962.2).
Identifiers: ClinVar variation 1037766 (VCV001037766.8), dbSNP rs1722179235, ClinGen allele CA1472780337.

ClinVar aggregate classification (germline): Uncertain significance (1 of 4 stars; one submission).

Submission:

Labcorp Genetics (formerly Invitae), Labcorp
Classification: Uncertain significance. Last evaluated: 2020-06-13. Review status: criteria provided, single submitter. Criteria: Invitae Variant Classification Sherloc (09022015). Collection method: clinical testing. Allele origin: germline.
Comment: Experimental studies and prediction algorithms are not available or were not evaluated, and the functional significance of this variant is currently unknown. In summary, the available evidence is currently insufficient to determine the role of this variant in disease. Therefore, it has been classified as a Variant of Uncertain Significance. This variant has not been reported in the literature in individuals with ABRAXAS1-related conditions. This variant is not present in population databases (ExAC no frequency). This variant, c.932_937del, results in the deletion of 2 amino acid(s) of the ABRAXAS1 protein (p.Cys311_Asn312del), but otherwise preserves the integrity of the reading frame.